The following is an entry in ClinVar:

ClinVar aggregate classification (germline): Uncertain significance (1 of 4 stars; one submission).

Allele frequency attached by ClinVar (database versions not stated): TOPMed below 0.00001; gnomAD exomes 0.00001; ExAC 0.00002.
gnomAD v4.1: 3 of 1,611,604 alleles (0.00019%); highest among the groups gnomAD compares: Non-Finnish European, 0.00025%; no homozygotes.

Submission:

Labcorp Genetics (formerly Invitae), Labcorp
Classification: Uncertain significance. Last evaluated: 2021-10-14. Review status: criteria provided, single submitter. Criteria: Invitae Variant Classification Sherloc (09022015). Collection method: clinical testing. Allele origin: germline.
Comment: In summary, the available evidence is currently insufficient to determine the role of this variant in disease. Therefore, it has been classified as a Variant of Uncertain Significance. Algorithms developed to predict the effect of sequence changes on RNA splicing suggest that this variant may create or strengthen a splice site. Algorithms developed to predict the effect of missense changes on protein structure and function output the following: SIFT: "Tolerated"; PolyPhen-2: "Benign"; Align-GVGD: "Class C0". The valine amino acid residue is found in multiple mammalian species, which suggests that this missense change does not adversely affect protein function. This variant has not been reported in the literature in individuals affected with PROM1-related conditions. This variant is present in population databases (rs761899407, ExAC 0.003%). This sequence change replaces isoleucine with valine at codon 169 of the PROM1 protein (p.Ile169Val). The isoleucine residue is weakly conserved and there is a small physicochemical difference between isoleucine and valine.

NM_006017.3(PROM1):c.505A>G (p.Ile169Val)

Gene: PROM1 (prominin 1; minus strand). Cytogenetic location: 4p15.32.
Variant type: single nucleotide variant.
Coding change: c.505A>G on transcript NM_006017.3 (MANE Select); coding-DNA position 505, A replaced by G.
Protein change: p.Ile169Val; replaces isoleucine 169 with valine.
Molecular consequence: missense variant.
Genome position (GRCh38, 1-based): chr4:16,033,308, T>C on the plus strand (A>G on the coding strand, the complement: PROM1 is on the minus strand). VCF-style: chr4-16033308-T-C. GRCh37 (hg19) VCF-style: chr4-16034931-T-C.
Other names: c.478A>G, p.Ile160Val (NM_001145847.2, NM_001145848.2, NM_001145851.2 and 4 more transcripts); c.505A>G, p.Ile169Val (NM_001145849.2, NM_001145850.2); short protein forms I160V, I169V.
Identifiers: ClinVar variation 1373699 (VCV001373699.6), dbSNP rs761899407, ClinGen allele CA2867063.